The following is an entry in ClinVar:

ClinVar aggregate classification (germline): Uncertain significance (1 of 4 stars; one submission).

Allele frequency attached by ClinVar (database versions not stated): gnomAD exomes below 0.00001; TOPMed below 0.00001; ExAC 0.00001.
gnomAD v4.1: 4 of 1,613,918 alleles (0.00025%); highest among the groups gnomAD compares: Non-Finnish European, 0.00034%; no homozygotes.

Submission:

Labcorp Genetics (formerly Invitae), Labcorp
Classification: Uncertain significance. Last evaluated: 2023-12-25. Review status: criteria provided, single submitter. Criteria: Invitae Variant Classification Sherloc (09022015). Collection method: clinical testing. Allele origin: germline.
Comment: This sequence change replaces arginine, which is basic and polar, with glutamine, which is neutral and polar, at codon 721 of the PHIP protein (p.Arg721Gln). This variant is present in population databases (rs758063485, gnomAD 0.0009%). This variant has not been reported in the literature in individuals affected with PHIP-related conditions. Advanced modeling of protein sequence and biophysical properties (such as structural, functional, and spatial information, amino acid conservation, physicochemical variation, residue mobility, and thermodynamic stability) performed at Invitae indicates that this missense variant is not expected to disrupt PHIP protein function with a negative predictive value of 80%. In summary, the available evidence is currently insufficient to determine the role of this variant in disease. Therefore, it has been classified as a Variant of Uncertain Significance.

NM_017934.7(PHIP):c.2162G>A (p.Arg721Gln)

Gene: PHIP (PHIP subunit of CUL4-Ring ligase complex; minus strand). Cytogenetic location: 6q14.1.
Variant type: single nucleotide variant.
Coding change: c.2162G>A on transcript NM_017934.7 (MANE Select); coding-DNA position 2162, G replaced by A.
Protein change: p.Arg721Gln; replaces arginine 721 with glutamine.
Molecular consequence: missense variant.
Genome position (GRCh38, 1-based): chr6:78,997,453, C>T on the plus strand (G>A on the coding strand, the complement: PHIP is on the minus strand). VCF-style: chr6-78997453-C-T. GRCh37 (hg19) VCF-style: chr6-79707170-C-T.
Other names: short protein forms R721Q.
Identifiers: ClinVar variation 2705506 (VCV002705506.3), dbSNP rs758063485, ClinGen allele CA3900022.